The following is an entry in ClinVar:

NM_001277115.2(DNAH11):c.495+12_495+13insGATGAGTACTGCTTTC

Gene: DNAH11 (dynein axonemal heavy chain 11; plus strand). Cytogenetic location: 7p15.3.
Variant type: Insertion.
Coding change: c.495+12_495+13insGATGAGTACTGCTTTC on transcript NM_001277115.2 (MANE Select); bases 12 to 13 of the intron after coding-DNA position 495, GATGAGTACTGCTTTC inserted.
Molecular consequence: intron variant.
Genome position: GRCh38 VCF-style: chr7-21545161-T-TGATGAGTACTGCTTTC. GRCh37 (hg19) VCF-style: chr7-21584779-T-TGATGAGTACTGCTTTC.
Identifiers: ClinVar variation 3711886 (VCV003711886.2).
Genomic context (GRCh38, chr7:21,545,161, plus strand): 5'-AGAGTTACCTGCGTTGTCTCTTGGACATGTATCTGCTTTCCTTGATGAGGTACTGGTCTG[T>TGATGAGTACTGCTTTC]CTTTAATATTTAAAGCTTTCACTTATCTCCATGACATTTGAAATTATTTAGGACAACTCC-3'

ClinVar aggregate classification (germline): Uncertain significance (1 of 4 stars; one submission).

Conditions:
Primary ciliary dyskinesia. Also called: Ciliary dyskinesia. Identifiers: Orphanet 244, MedGen C0008780, MONDO:0016575, HP:0012265.

Submission:

Labcorp Genetics (formerly Invitae), Labcorp
Classification: Uncertain significance for Primary ciliary dyskinesia. Last evaluated: 2024-12-12. Review status: criteria provided, single submitter. Criteria: Invitae Variant Classification Sherloc (09022015). Collection method: clinical testing. Allele origin: germline.
Comment: This sequence change falls in intron 2 of the DNAH11 gene. It does not directly change the encoded amino acid sequence of the DNAH11 protein. This variant is not present in population databases (gnomAD no frequency). This variant has not been reported in the literature in individuals affected with DNAH11-related conditions. Experimental studies and prediction algorithms are not available or were not evaluated, and the effect of this variant on mRNA splicing is currently unknown. In summary, the available evidence is currently insufficient to determine the role of this variant in disease. Therefore, it has been classified as a Variant of Uncertain Significance.